The following is an entry in ClinVar:

ClinVar aggregate classification (germline): Uncertain significance (1 of 4 stars; one submission).

Submission:

GeneDx
Classification: Uncertain significance. Last evaluated: 2025-09-11. Review status: criteria provided, single submitter. Criteria: GeneDx Variant Classification Process June 2021. Collection method: clinical testing. Allele origin: germline. Affected: yes.
Comment: Not observed at significant frequency in large population cohorts (gnomAD); In silico analysis supports a deleterious effect on splicing; Has not been previously published as pathogenic or benign to our knowledge

NM_004006.3(DMD):c.3922-10T>A

Gene: DMD (dystrophin; minus strand). Cytogenetic location: Xp21.1.
Variant type: single nucleotide variant.
Coding change: c.3922-10T>A on transcript NM_004006.3 (MANE Select); 10 bases into the intron before coding-DNA position 3922, T replaced by A.
Molecular consequence: intron variant.
Genome position (GRCh38, 1-based): chrX:32,438,400, A>T on the plus strand (T>A on the coding strand, the complement: DMD is on the minus strand). VCF-style: chrX-32438400-A-T. GRCh37 (hg19) VCF-style: chrX-32456517-A-T.
Other names: c.3898-10T>A (NM_000109.4); c.3910-10T>A (NM_004009.3); c.3553-10T>A (NM_004010.3).
Identifiers: ClinVar variation 4813383 (VCV004813383.1).
Genomic context (GRCh38, chrX:32,438,400, plus strand): 5'-GCGAATCTGATTTGGGTTATCCTCTGAATGTCGCATCAAATTTTCAAGTGACTGAAACAC[A>T]TTTGCAATAATTACTATTTCTCCTTTTTTTTCTAAATACATTGGATTATCAGCAAATGCT-3'